The following is an entry in ClinVar:

NM_001399.5(EDA):c.*384C>T

Gene: EDA (ectodysplasin A; plus strand). Cytogenetic location: Xq13.1.
Variant type: single nucleotide variant.
Coding change: c.*384C>T on transcript NM_001399.5 (MANE Select); 384 bases downstream of the stop codon, C replaced by T.
Molecular consequence: 3 prime UTR variant.
Genome position (GRCh38, 1-based): chrX:70,035,993, C>T. VCF-style: chrX-70035993-C-T. GRCh37 (hg19) VCF-style: chrX-69255843-C-T.
Other names: c.*384C>T (NM_001005609.2, NM_001005612.3).
Identifiers: ClinVar variation 3765644 (VCV003765644.1).

ClinVar aggregate classification (germline): Uncertain significance (1 of 4 stars; one submission).

Submission:

Greenwood Genetic Center Diagnostic Laboratories, Greenwood Genetic Center
Classification: Uncertain significance. Last evaluated: 2024-07-08. Review status: criteria provided, single submitter. Criteria: ACMG Guidelines, 2015. Collection method: clinical testing. Allele origin: germline. Affected: yes.
Comment: PM2